The following is an entry in ClinVar:

ClinVar aggregate classification (germline): Uncertain significance (1 of 4 stars; one submission).

Conditions:
Charcot-Marie-Tooth disease type 4A. Also called: Charcot-Marie-Tooth disease, demyelinating, autosomal recessive, type 4a. Identifiers: Orphanet 99948, MedGen C1859198, MONDO:0008961, OMIM 214400.

gnomAD v4.1: 1 of 1,614,096 alleles (0.000062%); highest among the groups gnomAD compares: South Asian, 0.0011%; no homozygotes.

Submission:

Labcorp Genetics (formerly Invitae), Labcorp
Classification: Uncertain significance for Charcot-Marie-Tooth disease type 4A. Last evaluated: 2023-12-18. Review status: criteria provided, single submitter. Criteria: Invitae Variant Classification Sherloc (09022015). Collection method: clinical testing. Allele origin: germline.
Comment: This sequence change replaces leucine, which is neutral and non-polar, with histidine, which is basic and polar, at codon 239 of the GDAP1 protein (p.Leu239His). This variant is not present in population databases (gnomAD no frequency). This variant has not been reported in the literature in individuals affected with GDAP1-related conditions. An algorithm developed to predict the effect of missense changes on protein structure and function (PolyPhen-2) suggests that this variant is likely to be disruptive. This variant disrupts the p.Leu239 amino acid residue in GDAP1. Other variant(s) that disrupt this residue have been determined to be pathogenic (PMID: 14561495, 17433678, 18504680, 18991200). This suggests that this residue is clinically significant, and that variants that disrupt this residue are likely to be disease-causing. In summary, the available evidence is currently insufficient to determine the role of this variant in disease. Therefore, it has been classified as a Variant of Uncertain Significance.

Literature cited by the submitters: PubMed 14561495; PubMed 17433678; PubMed 18504680; PubMed 18991200.

NM_018972.4(GDAP1):c.716T>A (p.Leu239His)

Gene: GDAP1 (ganglioside induced differentiation associated protein 1; plus strand). Cytogenetic location: 8q21.11.
Variant type: single nucleotide variant.
Coding change: c.716T>A on transcript NM_018972.4 (MANE Select); coding-DNA position 716, T replaced by A.
Protein change: p.Leu239His; replaces leucine 239 with histidine.
Molecular consequence: missense variant. On other transcripts: intron variant (1).
Genome position (GRCh38, 1-based): chr8:74,364,006, T>A. VCF-style: chr8-74364006-T-A. GRCh37 (hg19) VCF-style: chr8-75276241-T-A.
Other names: c.512T>A, p.Leu171His (NM_001040875.4); c.389T>A, p.Leu130His (NM_001362929.2, NM_001362932.2); c.542T>A, p.Leu181His (NM_001362930.2); c.694+953T>A (NM_001362931.2); short protein forms L130H, L239H, L171H, L181H.
Identifiers: ClinVar variation 2887539 (VCV002887539.3), dbSNP rs2536749948, ClinGen allele CA371549903.
Genomic context (GRCh38, chr8:74,364,006, plus strand): 5'-TGCTTGCCTCTAATTCTCTATGTCCCTTTCTCTAATTAGAAGAGGGCCAGCAACCTTGGC[T>A]CTGCGGTGAATCCTTCACCCTGGCAGACGTCTCACTCGCTGTCACATTGCATCGACTGAA-3'
Protein context (NP_061845.2, residues 229-249): ETPEEGQQPW[Leu239His]CGESFTLADV